The following is an entry in ClinVar:

NM_004006.3(DMD):c.9479G>T (p.Arg3160Leu)

Gene: DMD (dystrophin; minus strand). Cytogenetic location: Xp21.2.
Variant type: single nucleotide variant.
Coding change: c.9479G>T on transcript NM_004006.3 (MANE Select); coding-DNA position 9479, G replaced by T.
Protein change: p.Arg3160Leu; replaces arginine 3160 with leucine.
Molecular consequence: missense variant.
Genome position (GRCh38, 1-based): chrX:31,209,582, C>A on the plus strand (G>T on the coding strand, the complement: DMD is on the minus strand). VCF-style: chrX-31209582-C-A. GRCh37 (hg19) VCF-style: chrX-31227699-C-A.
Other names: c.9455G>T, p.Arg3152Leu (NM_000109.4); c.9467G>T, p.Arg3156Leu (NM_004009.3); c.9110G>T, p.Arg3037Leu (NM_004010.3); c.5456G>T, p.Arg1819Leu (NM_004011.4); c.5447G>T, p.Arg1816Leu (NM_004012.4); c.2099G>T, p.Arg700Leu (NM_004013.3, NM_004020.4, NM_004021.3 and 2 more transcripts); c.1292G>T, p.Arg431Leu (NM_004014.3); c.275G>T, p.Arg92Leu (NM_004015.3, NM_004016.3, NM_004017.3 and 2 more transcripts); short protein forms R3152L, R700L, R92L, R1816L, R3156L, R3160L, R431L, R1819L.
Identifiers: ClinVar variation 4739059 (VCV004739059.1).

ClinVar aggregate classification (germline): Uncertain significance (1 of 4 stars; one submission).

Conditions:
Duchenne muscular dystrophy (DMD). Also called: MUSCULAR DYSTROPHY, PSEUDOHYPERTROPHIC PROGRESSIVE, DUCHENNE TYPE; Duchenne Muscular Dystrophy (DMD). Identifiers: Orphanet 98896, MedGen C0013264, MONDO:0010679, OMIM 310200.

gnomAD v4.1: 5 of 1,211,110 alleles (0.00041%); highest among the groups gnomAD compares: Admixed American, 0.0065%; no homozygotes.

Submission:

Labcorp Genetics (formerly Invitae), Labcorp
Classification: Uncertain significance for Duchenne muscular dystrophy. Last evaluated: 2025-11-05. Review status: criteria provided, single submitter. Criteria: Invitae Variant Classification Sherloc (09022015). Collection method: clinical testing. Allele origin: germline.
Comment: This sequence change replaces arginine, which is basic and polar, with leucine, which is neutral and non-polar, at codon 3160 of the DMD protein (p.Arg3160Leu). This variant is present in population databases (no rsID available, gnomAD 0.008%). This variant has not been reported in the literature in individuals affected with DMD-related conditions. Invitae Evidence Modeling of protein sequence and biophysical properties (such as structural, functional, and spatial information, amino acid conservation, physicochemical variation, residue mobility, and thermodynamic stability) indicates that this missense variant is not expected to disrupt DMD protein function with a negative predictive value of 95%. In summary, the available evidence is currently insufficient to determine the role of this variant in disease. Therefore, it has been classified as a Variant of Uncertain Significance.